The following is an entry in ClinVar:

NM_053025.4(MYLK):c.369A>T (p.Val123=)

Gene: MYLK (myosin light chain kinase; minus strand). Cytogenetic location: 3q21.1.
Variant type: single nucleotide variant.
Coding change: c.369A>T on transcript NM_053025.4 (MANE Select); coding-DNA position 369, A replaced by T.
Protein change: p.Val123=; no amino-acid change (valine 123 retained).
Molecular consequence: synonymous variant. On other transcripts: intron variant (1).
Genome position (GRCh38, 1-based): chr3:123,752,335, T>A on the plus strand (A>T on the coding strand, the complement: MYLK is on the minus strand). VCF-style: chr3-123752335-T-A. GRCh37 (hg19) VCF-style: chr3-123471182-T-A.
Other names: c.369A>T, p.Val123= (NM_053027.4, NM_053028.4, NM_053026.4); c.-155-12334A>T (NM_001321309.2).
Identifiers: ClinVar variation 682448 (VCV000682448.13), dbSNP rs746517311, ClinGen allele CA070445.

ClinVar aggregate classification (germline): Likely benign. Review status: criteria provided, multiple submitters, no conflicts (2 of 4 stars). 3 submissions from 3 submitters: Likely benign (3). Last evaluated 2026-07-14.

Conditions:
Familial thoracic aortic aneurysm and aortic dissection (TAAD). Also called: Thoracic aortic aneurysms and dissections. Identifiers: Orphanet 91387, MedGen C4707243, MONDO:0019625.
Aortic aneurysm, familial thoracic 7 (AAT7). Also called: AORTIC DISSECTION, FAMILIAL, WITH OR WITHOUT AORTIC ANEURYSM. Identifiers: MedGen C3151077, MONDO:0013418, OMIM 613780.

Allele frequency attached by ClinVar (database versions not stated): gnomAD exomes below 0.00001; TOPMed below 0.00001; ExAC 0.00001; gnomAD 0.00001.
gnomAD v4.1: 6 of 1,613,880 alleles (0.00037%); highest among the groups gnomAD compares: Admixed American, 0.005%; no homozygotes.

Submissions (3):

Ambry Genetics
Classification: Likely benign for Familial thoracic aortic aneurysm and aortic dissection. Last evaluated: 2026-07-14. Review status: criteria provided, single submitter. Criteria: Ambry Variant Classification Scheme 2023. Collection method: clinical testing. Allele origin: germline.

Labcorp Genetics (formerly Invitae), Labcorp
Classification: Likely benign for Aortic aneurysm, familial thoracic 7. Last evaluated: 2025-12-15. Review status: criteria provided, single submitter. Criteria: Invitae Variant Classification Sherloc (09022015). Collection method: clinical testing. Allele origin: germline.

GeneDx
Classification: Likely benign. Last evaluated: 2018-04-30. Review status: criteria provided, single submitter. Criteria: GeneDx Variant Classification (06012015). Collection method: clinical testing. Allele origin: germline. Affected: yes.
Comment: This variant is considered likely benign or benign based on one or more of the following criteria: it is a conservative change, it occurs at a poorly conserved position in the protein, it is predicted to be benign by multiple in silico algorithms, and/or has population frequency not consistent with disease.